The following is an entry in ClinVar:

NM_005228.5(EGFR):c.2194A>C (p.Ile732Leu)

Gene: EGFR (epidermal growth factor receptor; plus strand). Cytogenetic location: 7p11.2.
Variant type: single nucleotide variant.
Coding change: c.2194A>C on transcript NM_005228.5 (MANE Select); coding-DNA position 2194, A replaced by C.
Protein change: p.Ile732Leu; replaces isoleucine 732 with leucine.
Molecular consequence: missense variant.
Genome position (GRCh38, 1-based): chr7:55,174,731, A>C. VCF-style: chr7-55174731-A-C. GRCh37 (hg19) VCF-style: chr7-55242424-A-C.
Other names: c.2035A>C, p.Ile679Leu (NM_001346900.2); c.1393A>C, p.Ile465Leu (NM_001346941.2); c.2059A>C, p.Ile687Leu (NM_001346897.2, NM_001346899.2); c.2194A>C, p.Ile732Leu (NM_001346898.2); short protein forms I465L, I687L, I732L, I679L.
Identifiers: ClinVar variation 1346216 (VCV001346216.8), dbSNP rs2128954582, ClinGen allele CA367583973.

ClinVar aggregate classification (germline): Uncertain significance (1 of 4 stars; one submission).

Conditions:
EGFR-related lung cancer (EGFR). Identifiers: MedGen CN130014.

Submission:

Labcorp Genetics (formerly Invitae), Labcorp
Classification: Uncertain significance for EGFR-related lung cancer. Last evaluated: 2020-11-11. Review status: criteria provided, single submitter. Criteria: Invitae Variant Classification Sherloc (09022015). Collection method: clinical testing. Allele origin: germline.
Comment: This sequence change replaces isoleucine with leucine at codon 732 of the EGFR protein (p.Ile732Leu). The isoleucine residue is moderately conserved and there is a small physicochemical difference between isoleucine and leucine. This variant is not present in population databases (ExAC no frequency). This variant has not been reported in the literature in individuals with EGFR-related conditions. Algorithms developed to predict the effect of missense changes on protein structure and function (SIFT, PolyPhen-2, Align-GVGD) all suggest that this variant is likely to be tolerated, but these predictions have not been confirmed by published functional studies and their clinical significance is uncertain. In summary, the available evidence is currently insufficient to determine the role of this variant in disease. Therefore, it has been classified as a Variant of Uncertain Significance.